The following is an entry in ClinVar:

NM_006206.6(PDGFRA):c.1154A>T (p.Lys385Met)

Gene: PDGFRA (platelet derived growth factor receptor alpha; plus strand). Cytogenetic location: 4q12.
Variant type: single nucleotide variant.
Coding change: c.1154A>T on transcript NM_006206.6 (MANE Select); coding-DNA position 1154, A replaced by T.
Protein change: p.Lys385Met; replaces lysine 385 with methionine.
Molecular consequence: missense variant.
Genome position (GRCh38, 1-based): chr4:54,270,665, A>T. VCF-style: chr4-54270665-A-T. GRCh37 (hg19) VCF-style: chr4-55136832-A-T.
Other names: c.1154A>T, p.Lys385Met (NM_001347827.2, NM_001347829.2); c.1229A>T, p.Lys410Met (NM_001347828.2); c.1193A>T, p.Lys398Met (NM_001347830.2); short protein forms K385M, K398M, K410M.
Identifiers: ClinVar variation 4530344 (VCV004530344.1).

ClinVar aggregate classification (somatic clinical impact): Tier I - Strong (1 of 4 stars; one submission).

Conditions:
Diffuse glioma, H3 G34 mutant. Identifiers: MedGen CN377580, MONDO:0957197.

Submission:

Institute for Genomic Medicine (IGM) Clinical Laboratory, Nationwide Children's Hospital
Classification: Tier I - Strong for Diffuse glioma, H3 G34 mutant. Assertion type: diagnostic. Clinical significance: supports diagnosis. Last evaluated: 2024-04-01. Review status: criteria provided, single submitter. Criteria: AMP/ASCO/CAP Guidelines, 2017. Collection method: clinical testing. Allele origin: somatic. Affected: yes.
Comment: Variant has Tier I (strong) clinical significance as a diagnostic inclusion criterion in diffuse glioma, H3 G34 mutant, based on the following evidence: 1) Documented in one or more cancer databases (e.g., St. Jude Pecan, COSMIC, CIViC, OncoKB). 2) Information in the literature supports potential biologic effect of variant (PMID: 33259802). 3) Diagnostic for a specific tumor type/classification based on well-powered studies with expert-level consensus (Evidence Level B; PMIDs: 24705251, 25230881, 28966033, 29763623, 24705250, 33259802, 35195909).

Literature cited by the submitters: PubMed 33259802; PubMed 24705251; PubMed 25230881; PubMed 28966033; PubMed 29763623; PubMed 24705250; PubMed 35195909.